The following is an entry in ClinVar:

NM_001283009.2(RTEL1):c.1681C>A (p.Pro561Thr)

Genes: RTEL1 (regulator of telomere elongation helicase 1; plus strand), RTEL1-TNFRSF6B (RTEL1-TNFRSF6B readthrough (NMD candidate); plus strand). Cytogenetic location: 20q13.33.
Variant type: single nucleotide variant.
Coding change: c.1681C>A on transcript NM_001283009.2 (MANE Select); coding-DNA position 1681, C replaced by A.
Protein change: p.Pro561Thr; replaces proline 561 with threonine.
Molecular consequence: missense variant. On other transcripts: non-coding transcript variant (1).
Genome position (GRCh38, 1-based): chr20:63,688,345, C>A. VCF-style: chr20-63688345-C-A. GRCh37 (hg19) VCF-style: chr20-62319698-C-A.
Other names: c.1012C>A, p.Pro338Thr (NM_001283010.1); c.1681C>A, p.Pro561Thr (NM_016434.4); c.1753C>A, p.Pro585Thr (NM_032957.5); short protein forms P338T, P561T, P585T.
Identifiers: ClinVar variation 3774235 (VCV003774235.1).

ClinVar aggregate classification (germline): Uncertain significance (1 of 4 stars; one submission).

gnomAD v4.1: 1 of 1,612,702 alleles (0.000062%); highest among the groups gnomAD compares: Non-Finnish European, 0.000085%; no homozygotes.

Submission:

GeneDx
Classification: Uncertain significance. Last evaluated: 2024-09-19. Review status: criteria provided, single submitter. Criteria: GeneDx Variant Classification Process June 2021. Collection method: clinical testing. Allele origin: germline. Affected: yes.
Comment: Not observed at significant frequency in large population cohorts (gnomAD); In silico analysis supports that this missense variant has a deleterious effect on protein structure/function; Has not been previously published as pathogenic or benign to our knowledge